The following is an entry in ClinVar:

ClinVar aggregate classification (germline): Uncertain significance (1 of 4 stars; one submission).

Submission:

Labcorp Genetics (formerly Invitae), Labcorp
Classification: Uncertain significance. Last evaluated: 2022-11-15. Review status: criteria provided, single submitter. Criteria: Invitae Variant Classification Sherloc (09022015). Collection method: clinical testing. Allele origin: germline.
Comment: In summary, the available evidence is currently insufficient to determine the role of this variant in disease. Therefore, it has been classified as a Variant of Uncertain Significance. Algorithms developed to predict the effect of missense changes on protein structure and function are either unavailable or do not agree on the potential impact of this missense change (SIFT: "Deleterious"; PolyPhen-2: "Probably Damaging"; Align-GVGD: "Class C0"). This variant is not present in population databases (gnomAD no frequency). This sequence change replaces proline, which is neutral and non-polar, with threonine, which is neutral and polar, at codon 640 of the RGS9 protein (p.Pro640Thr). This variant has not been reported in the literature in individuals affected with RGS9-related conditions. ClinVar contains an entry for this variant (Variation ID: 1001065).

NM_003835.4(RGS9):c.1918C>A (p.Pro640Thr)

Gene: RGS9 (regulator of G protein signaling 9; plus strand). Cytogenetic location: 17q24.1.
Variant type: single nucleotide variant.
Coding change: c.1918C>A on transcript NM_003835.4 (MANE Select); coding-DNA position 1918, C replaced by A.
Protein change: p.Pro640Thr; replaces proline 640 with threonine.
Molecular consequence: missense variant.
Genome position (GRCh38, 1-based): chr17:65,227,300, C>A. VCF-style: chr17-65227300-C-A. GRCh37 (hg19) VCF-style: chr17-63223418-C-A.
Other names: c.1909C>A, p.Pro637Thr (NM_001081955.3); short protein forms P637T, P640T.
Identifiers: ClinVar variation 1001065 (VCV001001065.8), dbSNP rs1905734214, ClinGen allele CA400674258.